The following is an entry in ClinVar:

ClinVar aggregate classification (germline): Uncertain significance (1 of 4 stars; one submission).

Allele frequency attached by ClinVar (database versions not stated): gnomAD exomes below 0.00001; TOPMed below 0.00001.
gnomAD v4.1: 1 of 1,610,890 alleles (0.000062%); highest among the groups gnomAD compares: Admixed American, 0.0017%; no homozygotes.

Submission:

Labcorp Genetics (formerly Invitae), Labcorp
Classification: Uncertain significance. Last evaluated: 2021-11-10. Review status: criteria provided, single submitter. Criteria: Invitae Variant Classification Sherloc (09022015). Collection method: clinical testing. Allele origin: germline.
Comment: This variant is present in population databases (no rsID available, gnomAD 0.003%). This sequence change replaces arginine, which is basic and polar, with leucine, which is neutral and non-polar, at codon 14 of the SNIP1 protein (p.Arg14Leu). This variant has not been reported in the literature in individuals affected with SNIP1-related conditions. In summary, the available evidence is currently insufficient to determine the role of this variant in disease. Therefore, it has been classified as a Variant of Uncertain Significance. Algorithms developed to predict the effect of missense changes on protein structure and function are either unavailable or do not agree on the potential impact of this missense change (SIFT: "Deleterious"; PolyPhen-2: "Benign"; Align-GVGD: "Class C0").

NM_024700.4(SNIP1):c.41G>T (p.Arg14Leu)

Gene: SNIP1 (Smad nuclear interacting protein 1; minus strand). Cytogenetic location: 1p34.3.
Variant type: single nucleotide variant.
Coding change: c.41G>T on transcript NM_024700.4 (MANE Select); coding-DNA position 41, G replaced by T.
Protein change: p.Arg14Leu; replaces arginine 14 with leucine.
Molecular consequence: missense variant.
Genome position (GRCh38, 1-based): chr1:37,554,189, C>A on the plus strand (G>T on the coding strand, the complement: SNIP1 is on the minus strand). VCF-style: chr1-37554189-C-A. GRCh37 (hg19) VCF-style: chr1-38019790-C-A.
Other names: short protein forms R14L.
Identifiers: ClinVar variation 1482716 (VCV001482716.6), dbSNP rs1358231026, ClinGen allele CA339430128.
Genomic context (GRCh38, chr1:37,554,189, plus strand): 5'-AGACGCTCCTGCTTCACCACCACCCCCGCCGGCAGCACCACGTCCCCGTCCCGGTGTCTT[C>A]GCCGGCTCCCTCGCTCCCGTTCGCTCTTCACCGCCTTCATTCTGTGATTTTGGCTGGGCG-3'
Protein context (NP_078976.2, residues 4-24): VKSERERGSR[Arg14Leu]RHRDGDVVLP